The following is an entry in ClinVar:

ClinVar aggregate classification (germline): Uncertain significance (0 of 4 stars; one submission).

Conditions:
Familial cancer of breast. Also called: BREAST CANCER, FAMILIAL; hereditary breast carcinoma; Hereditary breast cancer. Identifiers: Orphanet 227535, MedGen C0346153, MONDO:0016419, OMIM 114480. Disease mechanism: loss of function.

Submission:

Leiden Open Variation Database
Classification: Uncertain significance for Familial cancer of breast. Last evaluated: 2019-05-13. Review status: no assertion criteria provided. Collection method: curation. Allele origin: germline. Affected: yes.
Comment: Curators: Marc Tischkowitz, Arleen D. Auerbach. Submitter to LOVD: Marc Tischkowitz.

Literature cited by the submitters: PubMed 21285249.

NM_024675.4(PALB2):c.2834+21_2834+27del

Gene: PALB2 (partner and localizer of BRCA2; minus strand). Cytogenetic location: 16p12.2.
Variant type: Deletion.
Coding change: c.2834+21_2834+27del on transcript NM_024675.4 (MANE Select); bases 21 to 27 of the intron after coding-DNA position 2834, 7 bases deleted (GATTTGT; older notation c.2834+21_2834+27delGATTTGT).
Molecular consequence: intron variant.
Genome position (GRCh38, 1-based): chr16:23,623,982-23,623,988, ACAAATC deleted on the plus strand (GATTTGT on the coding strand, the reverse complement: PALB2 is on the minus strand); deleting any 7 consecutive bases within chr16:23,623,982-23,623,990 gives the same sequence; the c. name uses the placement nearest the transcript's 3' end. VCF-style (leftmost placement, unchanged base first): chr16-23623981-AACAAATC-A. GRCh37 (hg19) VCF-style: chr16-23635302-AACAAATC-A.
Identifiers: ClinVar variation 126687 (VCV000126687.3), dbSNP rs515726098, ClinGen allele CA269577.